The following is an entry in ClinVar:

NM_032043.3(BRIP1):c.1182A>C (p.Glu394Asp)

Gene: BRIP1 (BRCA1 interacting DNA helicase 1; minus strand). Cytogenetic location: 17q23.2.
Variant type: single nucleotide variant.
Coding change: c.1182A>C on transcript NM_032043.3 (MANE Select); coding-DNA position 1182, A replaced by C.
Protein change: p.Glu394Asp; replaces glutamic acid 394 with aspartic acid.
Molecular consequence: missense variant.
Genome position (GRCh38, 1-based): chr17:61,799,258, T>G on the plus strand (A>C on the coding strand, the complement: BRIP1 is on the minus strand). VCF-style: chr17-61799258-T-G. GRCh37 (hg19) VCF-style: chr17-59876619-T-G.
Other names: short protein forms E394D.
Identifiers: ClinVar variation 2449930 (VCV002449930.2), dbSNP rs1555607195, ClinGen allele CA400483744.

ClinVar aggregate classification (germline): Uncertain significance (1 of 4 stars; one submission).

Conditions:
Hereditary cancer-predisposing syndrome. Also called: Neoplastic Syndromes, Hereditary; Tumor predisposition; Hereditary neoplastic syndrome; Hereditary Cancer Syndrome. Identifiers: Orphanet 140162, MedGen C0027672, MeSH D009386, MONDO:0015356.

Submission:

Ambry Genetics
Classification: Uncertain significance for Hereditary cancer-predisposing syndrome. Last evaluated: 2023-01-12. Review status: criteria provided, single submitter. Criteria: Ambry Variant Classification Scheme 2023. Collection method: clinical testing. Allele origin: germline.
Comment: The p.E394D variant (also known as c.1182A>C), located in coding exon 8 of the BRIP1 gene, results from an A to C substitution at nucleotide position 1182. The glutamic acid at codon 394 is replaced by aspartic acid, an amino acid with highly similar properties. This amino acid position is conserved. In addition, this alteration is predicted to be deleterious by in silico analysis. Since supporting evidence is limited at this time, the clinical significance of this alteration remains unclear.